The following is an entry in ClinVar:

ClinVar aggregate classification (germline): Uncertain significance (1 of 4 stars; one submission).

Conditions:
Long QT syndrome (LQTS). Identifiers: MedGen C0023976, MeSH D008133, MONDO:0002442. Disease mechanism: loss of function. Inheritance: Various modes of inheritance.

gnomAD v4.1: 10 of 1,614,186 alleles (0.00062%); highest among the groups gnomAD compares: Non-Finnish European, 0.00085%; no homozygotes.

Submission:

Labcorp Genetics (formerly Invitae), Labcorp
Classification: Uncertain significance for Long QT syndrome. Last evaluated: 2024-06-19. Review status: criteria provided, single submitter. Criteria: Invitae Variant Classification Sherloc (09022015). Collection method: clinical testing. Allele origin: germline.
Comment: This sequence change replaces glutamic acid, which is acidic and polar, with lysine, which is basic and polar, at codon 3149 of the AKAP9 protein (p.Glu3149Lys). This variant is not present in population databases (gnomAD no frequency). This variant has not been reported in the literature in individuals affected with AKAP9-related conditions. An algorithm developed to predict the effect of missense changes on protein structure and function (PolyPhen-2) suggests that this variant is likely to be disruptive. In summary, the available evidence is currently insufficient to determine the role of this variant in disease. Therefore, it has been classified as a Variant of Uncertain Significance.

NM_005751.5(AKAP9):c.9445G>A (p.Glu3149Lys)

Gene: AKAP9 (A-kinase anchoring protein 9; plus strand). Cytogenetic location: 7q21.2.
Variant type: single nucleotide variant.
Coding change: c.9445G>A on transcript NM_005751.5 (MANE Select); coding-DNA position 9445, G replaced by A.
Protein change: p.Glu3149Lys; replaces glutamic acid 3149 with lysine.
Molecular consequence: missense variant.
Genome position (GRCh38, 1-based): chr7:92,093,183, G>A. VCF-style: chr7-92093183-G-A. GRCh37 (hg19) VCF-style: chr7-91722497-G-A.
Other names: c.9421G>A, p.Glu3141Lys (NM_147185.3); c.4090G>A, p.Glu1364Lys (NM_001379277.1); short protein forms E1364K, E3149K, E3141K.
Identifiers: ClinVar variation 3639961 (VCV003639961.2).